The following is an entry in ClinVar:

ClinVar aggregate classification (germline): Conflicting classifications of pathogenicity. Review status: criteria provided, conflicting classifications (1 of 4 stars). 2 submissions from 2 submitters: Uncertain significance (1); Likely benign (1). Last evaluated 2024-09-11.

Allele frequency attached by ClinVar (database versions not stated): TOPMed below 0.00001; gnomAD 0.00001; gnomAD exomes 0.00001; ExAC 0.00004.
gnomAD v4.1: 12 of 1,614,054 alleles (0.00074%); highest among the groups gnomAD compares: South Asian, 0.013%; no homozygotes.

Submissions (2):

Blueprint Genetics
Classification: Likely benign. Last evaluated: 2024-09-11. Review status: criteria provided, single submitter. Criteria: ACMG Guidelines, 2015. Collection method: clinical testing. Allele origin: germline.

Labcorp Genetics (formerly Invitae), Labcorp
Classification: Uncertain significance. Last evaluated: 2023-09-13. Review status: criteria provided, single submitter. Criteria: Invitae Variant Classification Sherloc (09022015). Collection method: clinical testing. Allele origin: germline.
Comment: This sequence change replaces isoleucine, which is neutral and non-polar, with valine, which is neutral and non-polar, at codon 42 of the BACH2 protein (p.Ile42Val). This variant is present in population databases (rs758086634, gnomAD 0.02%). This variant has not been reported in the literature in individuals affected with BACH2-related conditions. Advanced modeling of protein sequence and biophysical properties (such as structural, functional, and spatial information, amino acid conservation, physicochemical variation, residue mobility, and thermodynamic stability) performed at Invitae indicates that this missense variant is not expected to disrupt BACH2 protein function. In summary, the available evidence is currently insufficient to determine the role of this variant in disease. Therefore, it has been classified as a Variant of Uncertain Significance.

NM_021813.4(BACH2):c.124A>G (p.Ile42Val)

Gene: BACH2 (BACH transcriptional regulator 2; minus strand). Cytogenetic location: 6q15.
Variant type: single nucleotide variant.
Coding change: c.124A>G on transcript NM_021813.4 (MANE Select); coding-DNA position 124, A replaced by G.
Protein change: p.Ile42Val; replaces isoleucine 42 with valine.
Molecular consequence: missense variant.
Genome position (GRCh38, 1-based): chr6:90,008,721, T>C on the plus strand (A>G on the coding strand, the complement: BACH2 is on the minus strand). VCF-style: chr6-90008721-T-C. GRCh37 (hg19) VCF-style: chr6-90718440-T-C.
Other names: c.124A>G, p.Ile42Val (NM_001170794.2); short protein forms I42V.
Identifiers: ClinVar variation 3011570 (VCV003011570.4), dbSNP rs758086634, ClinGen allele CA3928230.